The following is an entry in ClinVar:

ClinVar aggregate classification (germline): Likely benign (1 of 4 stars; one submission).

Submission:

CeGaT Center for Human Genetics Tuebingen
Classification: Likely benign. Last evaluated: 2023-11-01. Review status: criteria provided, single submitter. Criteria: CeGaT Center For Human Genetics Tuebingen Variant Classification Criteria Version 2. Collection method: clinical testing. Allele origin: germline. Affected: yes. Observed: 1 variant allele.
Comment: IGFN1: BP4, BP7

NM_001164586.2(IGFN1):c.5616T>C (p.Phe1872=)

Gene: IGFN1 (immunoglobulin like and fibronectin type III domain containing 1; plus strand). Cytogenetic location: 1q32.1.
Variant type: single nucleotide variant.
Coding change: c.5616T>C on transcript NM_001164586.2 (MANE Select); coding-DNA position 5616, T replaced by C.
Protein change: p.Phe1872=; no amino-acid change (phenylalanine 1872 retained).
Molecular consequence: synonymous variant. On other transcripts: intron variant (1).
Genome position (GRCh38, 1-based): chr1:201,210,509, T>C. VCF-style: chr1-201210509-T-C. GRCh37 (hg19) VCF-style: chr1-201179637-T-C.
Other names: c.1242-2997T>C (NM_001367841.1).
Identifiers: ClinVar variation 2672379 (VCV002672379.23), dbSNP rs1195560997, ClinGen allele CA422818748.